The following is an entry in ClinVar:

NM_003107.3(SOX4):c.886G>C (p.Val296Leu)

Gene: SOX4 (SRY-box transcription factor 4; plus strand). Cytogenetic location: 6p22.3.
Variant type: single nucleotide variant.
Coding change: c.886G>C on transcript NM_003107.3 (MANE Select); coding-DNA position 886, G replaced by C.
Protein change: p.Val296Leu; replaces valine 296 with leucine.
Molecular consequence: missense variant.
Genome position (GRCh38, 1-based): chr6:21,595,420, G>C. VCF-style: chr6-21595420-G-C. GRCh37 (hg19) VCF-style: chr6-21595651-G-C.
Other names: short protein forms V296L.
Identifiers: ClinVar variation 3346978 (VCV003346978.1).

ClinVar aggregate classification (germline): Uncertain significance (0 of 4 stars; one submission).

Conditions:
SOX4-related disorder. Also called: SOX4-related condition.

Submission:

PreventionGenetics, part of Exact Sciences
Classification: Uncertain significance for SOX4-related condition. Last evaluated: 2024-05-07. Review status: no assertion criteria provided. Collection method: clinical testing. Allele origin: germline.
Comment: The SOX4 c.886G>C variant is predicted to result in the amino acid substitution p.Val296Leu. To our knowledge, this variant has not been reported in the literature or in a large population database, indicating this variant is rare. At this time, the clinical significance of this variant is uncertain due to the absence of conclusive functional and genetic evidence.